The following is an entry in ClinVar:

ClinVar aggregate classification (germline): Benign/Likely benign. Review status: criteria provided, multiple submitters, no conflicts (2 of 4 stars). 3 submissions from 3 submitters: Benign (1); Likely benign (2). Last evaluated 2024-06-14.

Conditions:
Familial cancer of breast. Also called: BREAST CANCER, FAMILIAL; Hereditary breast cancer; hereditary breast carcinoma. Identifiers: Orphanet 227535, MedGen C0346153, MONDO:0016419, OMIM 114480. Disease mechanism: loss of function.
Ataxia-telangiectasia syndrome (AT). Also called: Ataxia-telangiectasia; LOUIS-BAR SYNDROME; Ataxia-telangiectasia, complementation group D; AT, COMPLEMENTATION GROUP C; ATAXIA-TELANGIECTASIA, COMPLEMENTATION GROUP A; ATAXIA-TELANGIECTASIA, FRESNO VARIANT. Identifiers: Orphanet 100, MedGen C0004135, MONDO:0008840, OMIM 208900.

Submissions (3):

Myriad Genetics, Inc.
Classification: Benign for Familial cancer of breast. Last evaluated: 2024-06-14. Review status: criteria provided, single submitter. Criteria: Myriad Autosomal Dominant, Autosomal Recessive and X-Linked Classification Criteria (2023). Collection method: clinical testing. Allele origin: unknown.
Comment: This variant is considered benign. This variant is a silent/synonymous amino acid change and it is not expected to impact splicing.

Labcorp Genetics (formerly Invitae), Labcorp
Classification: Likely benign for Ataxia-telangiectasia syndrome. Last evaluated: 2023-01-06. Review status: criteria provided, single submitter. Criteria: Invitae Variant Classification Sherloc (09022015). Collection method: clinical testing. Allele origin: germline.

GeneDx
Classification: Likely benign. Last evaluated: 2021-05-19. Review status: criteria provided, single submitter. Criteria: GeneDx Variant Classification Process June 2021. Collection method: clinical testing. Allele origin: germline. Affected: yes.

NM_000051.4(ATM):c.7599A>G (p.Gly2533=)

Genes: ATM (ATM serine/threonine kinase; plus strand), C11orf65 (chromosome 11 open reading frame 65; minus strand). Cytogenetic location: 11q22.3.
Variant type: single nucleotide variant.
Coding change: c.7599A>G on transcript NM_000051.4 (MANE Select); coding-DNA position 7599, A replaced by G.
Protein change: p.Gly2533=; no amino-acid change (glycine 2533 retained).
Molecular consequence: synonymous variant. On other transcripts: non-coding transcript variant (1), intron variant (2).
Genome position (GRCh38, 1-based): chr11:108,331,527, A>G. VCF-style: chr11-108331527-A-G. GRCh37 (hg19) VCF-style: chr11-108202254-A-G.
Other names: c.7599A>G, p.Gly2533= (NM_001351834.2); c.641-22456T>C (NM_001330368.2); c.*38+3693T>C (NM_001351110.2).
Identifiers: ClinVar variation 1326134 (VCV001326134.12), dbSNP rs2136497122, ClinGen allele CA476677069.